The following is an entry in ClinVar:

NM_001458.5(FLNC):c.5399-3C>T

Genes: FLNC (filamin C; plus strand), FLNC-AS1 (FLNC antisense RNA 1; minus strand). Cytogenetic location: 7q32.1.
Variant type: single nucleotide variant.
Coding change: c.5399-3C>T on transcript NM_001458.5 (MANE Select); 3 bases into the intron before coding-DNA position 5399, C replaced by T.
Molecular consequence: intron variant.
Genome position (GRCh38, 1-based): chr7:128,850,800, C>T. VCF-style: chr7-128850800-C-T. GRCh37 (hg19) VCF-style: chr7-128490854-C-T.
Other names: c.5300-3C>T (NM_001127487.2).
Identifiers: ClinVar variation 3279223 (VCV003279223.1).

ClinVar aggregate classification (germline): Uncertain significance (1 of 4 stars; one submission).

Conditions:
Cardiovascular phenotype. Identifiers: MedGen CN230736.

gnomAD v4.1: 1 of 1,613,748 alleles (0.000062%); highest among the groups gnomAD compares: Non-Finnish European, 0.000085%; no homozygotes.

Submission:

Ambry Genetics
Classification: Uncertain significance for Cardiovascular phenotype. Last evaluated: 2024-06-06. Review status: criteria provided, single submitter. Criteria: Ambry Variant Classification Scheme 2023. Collection method: clinical testing. Allele origin: germline.
Comment: The c.5399-3C>T intronic variant results from a C to T substitution 3 nucleotides upstream from coding exon 33 in the FLNC gene. This nucleotide position is well conserved in available vertebrate species. In silico splice site analysis predicts that this alteration will not have any significant effect on splicing. Based on the available evidence, the clinical significance of this variant remains unclear.